The following is an entry in ClinVar:

ClinVar aggregate classification (germline): Likely benign (1 of 4 stars; one submission).

Allele frequency attached by ClinVar (database versions not stated): ExAC 0.00157; 1000 Genomes Project 30x 0.00297; 1000 Genomes Project 0.00319; gnomAD 0.00386.

Submission:

CeGaT Center for Human Genetics Tuebingen
Classification: Likely benign. Last evaluated: 2025-01-01. Review status: criteria provided, single submitter. Criteria: CeGaT Center For Human Genetics Tuebingen Variant Classification Criteria Version 2. Collection method: clinical testing. Allele origin: germline. Affected: yes. Observed: 5 variant alleles.
Comment: ARHGEF35: BP4, BP7

NM_001003702.3(ARHGEF35):c.1371A>G (p.Arg457=)

Gene: ARHGEF35 (Rho guanine nucleotide exchange factor 35; minus strand). Cytogenetic location: 7q35.
Variant type: single nucleotide variant.
Coding change: c.1371A>G on transcript NM_001003702.3 (MANE Select); coding-DNA position 1371, A replaced by G.
Protein change: p.Arg457=; no amino-acid change (arginine 457 retained).
Molecular consequence: synonymous variant.
Genome position (GRCh38, 1-based): chr7:144,187,013, T>C on the plus strand (A>G on the coding strand, the complement: ARHGEF35 is on the minus strand). VCF-style: chr7-144187013-T-C. GRCh37 (hg19) VCF-style: chr7-143884106-T-C.
Other names: c.1371A>G, p.Arg457= (NM_001368318.1).
Identifiers: ClinVar variation 2658122 (VCV002658122.24), dbSNP rs1731348, ClinGen allele CA4543230.